The following is an entry in ClinVar:

NM_017721.5(CC2D1A):c.2028C>T (p.Gly676=)

Gene: CC2D1A (coiled-coil and C2 domain containing 1A; plus strand). Cytogenetic location: 19p13.12.
Variant type: single nucleotide variant.
Coding change: c.2028C>T on transcript NM_017721.5 (MANE Select); coding-DNA position 2028, C replaced by T.
Protein change: p.Gly676=; no amino-acid change (glycine 676 retained).
Molecular consequence: synonymous variant.
Genome position (GRCh38, 1-based): chr19:13,926,680, C>T. VCF-style: chr19-13926680-C-T. GRCh37 (hg19) VCF-style: chr19-14037493-C-T.
Other names: c.2028C>T, p.Gly676= (NM_001411138.1).
Identifiers: ClinVar variation 2716452 (VCV002716452.8), dbSNP rs756672304, ClinGen allele CA9244904.

ClinVar aggregate classification (germline): Likely benign. Review status: criteria provided, multiple submitters, no conflicts (2 of 4 stars). 3 submissions from 3 submitters: Likely benign (3). Last evaluated 2026-02-01.

Allele frequency attached by ClinVar (database versions not stated): ExAC 0.00001; gnomAD exomes 0.00001; TOPMed 0.00002; gnomAD 0.00004.
gnomAD v4.1: 30 of 1,614,186 alleles (0.0019%); highest among the groups gnomAD compares: Admixed American, 0.02%; 1 homozygote.

Submissions (3):

CeGaT Center for Human Genetics Tuebingen
Classification: Likely benign. Last evaluated: 2026-02-01. Review status: criteria provided, single submitter. Criteria: CeGaT Center For Human Genetics Tuebingen Variant Classification Criteria Version 2. Collection method: clinical testing. Allele origin: germline. Affected: yes. Observed: 1 variant allele.
Comment: CC2D1A: BP4, BP7

Labcorp Genetics (formerly Invitae), Labcorp
Classification: Likely benign. Last evaluated: 2025-10-26. Review status: criteria provided, single submitter. Criteria: Invitae Variant Classification Sherloc (09022015). Collection method: clinical testing. Allele origin: germline.

Blueprint Genetics
Classification: Likely benign. Last evaluated: 2023-10-10. Review status: criteria provided, single submitter. Criteria: ACMG Guidelines, 2015. Collection method: clinical testing. Allele origin: germline.